The following is an entry in ClinVar:

ClinVar aggregate classification (germline): Conflicting classifications of pathogenicity. Review status: criteria provided, conflicting classifications (1 of 4 stars). 2 submissions from 2 submitters: Uncertain significance (1); Likely benign (1). Last evaluated 2023-03-23.

Conditions:
Hereditary cancer-predisposing syndrome. Also called: Hereditary Cancer Syndrome; Tumor predisposition; Neoplastic Syndromes, Hereditary; Hereditary neoplastic syndrome. Identifiers: Orphanet 140162, MedGen C0027672, MeSH D009386, MONDO:0015356.
Hereditary breast ovarian cancer syndrome. Also called: Hereditary breast and ovarian cancer syndrome (HBOC); Hereditary breast and/or ovarian cancer syndrome; BRCA1- and BRCA2-Associated Hereditary Breast and Ovarian Cancer; Hereditary breast and ovarian cancer syndrome; Hereditary breast and ovarian cancer; Breast and ovarian cancer. Identifiers: Orphanet 145, MedGen C0677776, MeSH D061325, MONDO:0003582. Disease mechanism: loss of function.

Submissions (2):

University of Washington Department of Laboratory Medicine, University of Washington
Classification: Likely benign for Hereditary cancer-predisposing syndrome. Last evaluated: 2023-03-23. Review status: criteria provided, single submitter. Criteria: Dines et al. (Genet Med. 2020). Collection method: curation. Allele origin: germline.
Comment: Missense variant in a coldspot region where missense variants are very unlikely to be pathogenic (PMID:31911673).

BRCA2 exon 11 coldspot. Reclassification based on statistical prior probability.

Labcorp Genetics (formerly Invitae), Labcorp
Classification: Uncertain significance for Hereditary breast ovarian cancer syndrome. Last evaluated: 2020-09-01. Review status: criteria provided, single submitter. Criteria: Invitae Variant Classification Sherloc (09022015). Collection method: clinical testing. Allele origin: germline.
Comment: Advanced modeling of protein sequence and biophysical properties (such as structural, functional, and spatial information, amino acid conservation, physicochemical variation, residue mobility, and thermodynamic stability) performed at Invitae indicates that this missense variant is not expected to disrupt BRCA2 protein function. In summary, the available evidence is currently insufficient to determine the role of this variant in disease. Therefore, it has been classified as a Variant of Uncertain Significance. This variant has not been reported in the literature in individuals with BRCA2-related conditions. This variant is not present in population databases (ExAC no frequency). This sequence change replaces valine with alanine at codon 1176 of the BRCA2 protein (p.Val1176Ala). The valine residue is weakly conserved and there is a small physicochemical difference between valine and alanine.

NM_000059.4(BRCA2):c.3527T>C (p.Val1176Ala)

Gene: BRCA2 (BRCA2 DNA repair associated; plus strand). Cytogenetic location: 13q13.1.
Variant type: single nucleotide variant.
Coding change: c.3527T>C on transcript NM_000059.4 (MANE Select); coding-DNA position 3527, T replaced by C.
Protein change: p.Val1176Ala; replaces valine 1176 with alanine.
Molecular consequence: missense variant.
Genome position (GRCh38, 1-based): chr13:32,337,882, T>C. VCF-style: chr13-32337882-T-C. GRCh37 (hg19) VCF-style: chr13-32912019-T-C.
Other names: short protein forms V1176A.
Identifiers: ClinVar variation 1011729 (VCV001011729.10), dbSNP rs2072482870, ClinGen allele CA387777088.